The following is an entry in ClinVar:

ClinVar aggregate classification (germline): Uncertain significance. Review status: criteria provided, multiple submitters, no conflicts (2 of 4 stars). 2 submissions from 2 submitters: Uncertain significance (2). Last evaluated 2025-03-16.

gnomAD v4.1: 4 of 1,614,196 alleles (0.00025%); highest among the groups gnomAD compares: East Asian, 0.0022%; no homozygotes.

Submissions (2):

Ambry Genetics
Classification: Uncertain significance. Last evaluated: 2025-03-16. Review status: criteria provided, single submitter. Criteria: Ambry Variant Classification Scheme 2023. Collection method: clinical testing. Allele origin: germline.

Labcorp Genetics (formerly Invitae), Labcorp
Classification: Uncertain significance. Last evaluated: 2023-12-19. Review status: criteria provided, single submitter. Criteria: Invitae Variant Classification Sherloc (09022015). Collection method: clinical testing. Allele origin: germline.
Comment: This sequence change replaces isoleucine, which is neutral and non-polar, with phenylalanine, which is neutral and non-polar, at codon 228 of the SLC7A14 protein (p.Ile228Phe). This variant is not present in population databases (gnomAD no frequency). This variant has not been reported in the literature in individuals affected with SLC7A14-related conditions. ClinVar contains an entry for this variant (Variation ID: 1484429). An algorithm developed to predict the effect of missense changes on protein structure and function (PolyPhen-2) suggests that this variant is likely to be disruptive. In summary, the available evidence is currently insufficient to determine the role of this variant in disease. Therefore, it has been classified as a Variant of Uncertain Significance.

NM_020949.3(SLC7A14):c.682A>T (p.Ile228Phe)

Genes: SLC7A14 (solute carrier family 7 member 14; minus strand), SLC7A14-AS1 (SLC7A14 antisense RNA 1; plus strand). Cytogenetic location: 3q26.2.
Variant type: single nucleotide variant.
Coding change: c.682A>T on transcript NM_020949.3 (MANE Select); coding-DNA position 682, A replaced by T.
Protein change: p.Ile228Phe; replaces isoleucine 228 with phenylalanine.
Molecular consequence: missense variant.
Genome position (GRCh38, 1-based): chr3:170,498,744, T>A on the plus strand (A>T on the coding strand, the complement: SLC7A14 is on the minus strand). VCF-style: chr3-170498744-T-A. GRCh37 (hg19) VCF-style: chr3-170216533-T-A.
Other names: c.682A>T (NM_020949.2); short protein forms I228F.
Identifiers: ClinVar variation 1484429 (VCV001484429.9), dbSNP rs375042563, ClinGen allele CA88020802.
Genomic context (GRCh38, chr3:170,498,744, plus strand): 5'-GCAAGAACTGGCCCTCCGCCCAGTATTTCCCATTGATGAAGAAGAGGCCTGCGATCATGA[T>A]GAACACCCATACTGCCAGGTTCAGCACATTGAGAACATTGTTGAAGCCTATGGAATTCTT-3'
Protein context (NP_066000.2, residues 218-238): NVLNLAVWVF[Ile228Phe]MIAGLFFING